The following is an entry in ClinVar:

NM_001042603.3(KDM5A):c.1436C>G (p.Ser479Cys)

Gene: KDM5A (lysine demethylase 5A; minus strand). Cytogenetic location: 12p13.33.
Variant type: single nucleotide variant.
Coding change: c.1436C>G on transcript NM_001042603.3 (MANE Select); coding-DNA position 1436, C replaced by G.
Protein change: p.Ser479Cys; replaces serine 479 with cysteine.
Molecular consequence: missense variant.
Genome position (GRCh38, 1-based): chr12:334,295, G>C on the plus strand (C>G on the coding strand, the complement: KDM5A is on the minus strand). VCF-style: chr12-334295-G-C. GRCh37 (hg19) VCF-style: chr12-443461-G-C.
Other names: c.1436C>G (NM_001042603.1); short protein forms S479C.
Identifiers: ClinVar variation 1378310 (VCV001378310.7), dbSNP rs2137426076, ClinGen allele CA383642391.

ClinVar aggregate classification (germline): Uncertain significance. Review status: criteria provided, multiple submitters, no conflicts (2 of 4 stars). 2 submissions from 2 submitters: Uncertain significance (2). Last evaluated 2024-11-14.

Submissions (2):

Ambry Genetics
Classification: Uncertain significance. Last evaluated: 2024-11-14. Review status: criteria provided, single submitter. Criteria: Ambry Variant Classification Scheme 2023. Collection method: clinical testing. Allele origin: germline.

Labcorp Genetics (formerly Invitae), Labcorp
Classification: Uncertain significance. Last evaluated: 2021-08-28. Review status: criteria provided, single submitter. Criteria: Invitae Variant Classification Sherloc (09022015). Collection method: clinical testing. Allele origin: germline.
Comment: This sequence change replaces serine with cysteine at codon 479 of the KDM5A protein (p.Ser479Cys). The serine residue is moderately conserved and there is a moderate physicochemical difference between serine and cysteine. In summary, the available evidence is currently insufficient to determine the role of this variant in disease. Therefore, it has been classified as a Variant of Uncertain Significance. Algorithms developed to predict the effect of missense changes on protein structure and function are either unavailable or do not agree on the potential impact of this missense change (SIFT: "Deleterious"; PolyPhen-2: "Possibly Damaging"; Align-GVGD: "Class C0"). This variant has not been reported in the literature in individuals affected with KDM5A-related conditions. This variant is not present in population databases (ExAC no frequency).